The following is an entry in ClinVar:

NM_003601.4(SMARCA5):c.1269G>A (p.Trp423Ter)

Gene: SMARCA5 (SNF2 related chromatin remodeling ATPase 5; plus strand). Cytogenetic location: 4q31.21.
Variant type: single nucleotide variant.
Coding change: c.1269G>A on transcript NM_003601.4 (MANE Select); coding-DNA position 1269, G replaced by A.
Protein change: p.Trp423Ter; replaces tryptophan 423 with a stop codon.
Molecular consequence: nonsense.
Genome position (GRCh38, 1-based): chr4:143,536,452, G>A. VCF-style: chr4-143536452-G-A. GRCh37 (hg19) VCF-style: chr4-144457605-G-A.
Other names: short protein forms W423*.
Identifiers: ClinVar variation 5009109 (VCV005009109.1).

ClinVar aggregate classification (germline): Uncertain significance (1 of 4 stars; one submission).

Submission:

GeneDx
Classification: Uncertain significance. Last evaluated: 2026-03-17. Review status: criteria provided, single submitter. Criteria: GeneDx Variant Classification Process June 2021. Collection method: clinical testing. Allele origin: germline.
Comment: Not observed at significant frequency in large population cohorts (gnomAD); Nonsense variant predicted to result in protein truncation or nonsense mediated decay in a gene or region of a gene for which loss of function is not a well-established mechanism of disease; Has not been previously published as pathogenic or benign to our knowledge